The following is an entry in ClinVar:

NM_004329.3(BMPR1A):c.192A>C (p.Ser64=)

Gene: BMPR1A (bone morphogenetic protein receptor type 1A; plus strand). Cytogenetic location: 10q23.2.
Variant type: single nucleotide variant.
Coding change: c.192A>C on transcript NM_004329.3 (MANE Select); coding-DNA position 192, A replaced by C.
Protein change: p.Ser64=; no amino-acid change (serine 64 retained).
Molecular consequence: synonymous variant. On other transcripts: non-coding transcript variant (3).
Genome position (GRCh38, 1-based): chr10:86,890,186, A>C. VCF-style: chr10-86890186-A-C. GRCh37 (hg19) VCF-style: chr10-88649943-A-C.
Other names: c.192A>C, p.Ser64= (NM_001406559.1, NM_001406560.1, NM_001406561.1 and 23 more transcripts); c.108A>C, p.Ser36= (NM_001406584.1, NM_001406585.1, NM_001406586.1 and 2 more transcripts).
Identifiers: ClinVar variation 3378548 (VCV003378548.1).

ClinVar aggregate classification (germline): Benign (1 of 4 stars; one submission).

Conditions:
Juvenile polyposis syndrome (JPS). Identifiers: Orphanet 2929, MedGen C0345893, MONDO:0017380, OMIM 174900.

gnomAD v4.1: 4 of 1,614,198 alleles (0.00025%); highest among the groups gnomAD compares: Non-Finnish European, 0.00034%; no homozygotes.

Submission:

Myriad Genetics, Inc.
Classification: Benign for Juvenile polyposis syndrome. Last evaluated: 2024-07-31. Review status: criteria provided, single submitter. Criteria: Myriad Autosomal Dominant, Autosomal Recessive and X-Linked Classification Criteria (2023). Collection method: clinical testing. Allele origin: unknown.
Comment: This variant is considered benign. This variant is a silent/synonymous amino acid change and it is not expected to impact splicing.